The following is an entry in ClinVar:

ClinVar aggregate classification (germline): Uncertain significance (1 of 4 stars; one submission).

Conditions:
Hereditary cancer-predisposing syndrome. Also called: Neoplastic Syndromes, Hereditary; Tumor predisposition; Hereditary neoplastic syndrome; Hereditary Cancer Syndrome. Identifiers: Orphanet 140162, MedGen C0027672, MeSH D009386, MONDO:0015356.

Submission:

Ambry Genetics
Classification: Uncertain significance for Hereditary cancer-predisposing syndrome. Last evaluated: 2022-12-23. Review status: criteria provided, single submitter. Criteria: Ambry Variant Classification Scheme 2023. Collection method: clinical testing. Allele origin: germline.
Comment: The p.K283R variant (also known as c.848A>G), located in coding exon 9 of the CDC73 gene, results from an A to G substitution at nucleotide position 848. The lysine at codon 283 is replaced by arginine, an amino acid with highly similar properties. This amino acid position is highly conserved in available vertebrate species. In addition, this alteration is predicted to be tolerated by in silico analysis. Since supporting evidence is limited at this time, the clinical significance of this alteration remains unclear.

NM_024529.5(CDC73):c.848A>G (p.Lys283Arg)

Gene: CDC73 (cell division cycle 73; plus strand). Cytogenetic location: 1q31.2.
Variant type: single nucleotide variant.
Coding change: c.848A>G on transcript NM_024529.5 (MANE Select); coding-DNA position 848, A replaced by G.
Protein change: p.Lys283Arg; replaces lysine 283 with arginine.
Molecular consequence: missense variant.
Genome position (GRCh38, 1-based): chr1:193,150,323, A>G. VCF-style: chr1-193150323-A-G. GRCh37 (hg19) VCF-style: chr1-193119453-A-G.
Other names: short protein forms K283R.
Identifiers: ClinVar variation 2450575 (VCV002450575.2), dbSNP rs1676083588, ClinGen allele CA343964944.
Genomic context (GRCh38, chr1:193,150,323, plus strand): 5'-TAAAAATATTAACAAGTAACTCATAATTAATTTTTTTACAGGATCCCACTTTGCGCACCA[A>G]ACAGCCTATCCCAGCTGCCTATAACAGATACGATCAGGAAAGATTCAAAGGAAAAGAAGG-3'
Protein context (NP_078805.3, residues 273-293): AAPVDPTLRT[Lys283Arg]QPIPAAYNRY